The following is an entry in ClinVar:

ClinVar aggregate classification (germline): Uncertain significance (1 of 4 stars; one submission).

Conditions:
Cardiovascular phenotype. Identifiers: MedGen CN230736.

Submission:

Ambry Genetics
Classification: Uncertain significance for Cardiovascular phenotype. Last evaluated: 2026-03-23. Review status: criteria provided, single submitter. Criteria: Ambry Variant Classification Scheme 2023. Collection method: clinical testing. Allele origin: germline.
Comment: The p.D145N variant (also known as c.433G>A), located in coding exon 1 of the CHST14 gene, results from a G to A substitution at nucleotide position 433. The aspartic acid at codon 145 is replaced by asparagine, an amino acid with highly similar properties. This amino acid position is conserved. In addition, the in silico prediction for this alteration is inconclusive. Based on the available evidence, the clinical significance of this variant remains unclear.

NM_130468.4(CHST14):c.433G>A (p.Asp145Asn)

Gene: CHST14 (carbohydrate sulfotransferase 14; plus strand). Cytogenetic location: 15q15.1.
Variant type: single nucleotide variant.
Coding change: c.433G>A on transcript NM_130468.4 (MANE Select); coding-DNA position 433, G replaced by A.
Protein change: p.Asp145Asn; replaces aspartic acid 145 with asparagine.
Molecular consequence: missense variant.
Genome position (GRCh38, 1-based): chr15:40,471,646, G>A. VCF-style: chr15-40471646-G-A. GRCh37 (hg19) VCF-style: chr15-40763845-G-A.
Other names: short protein forms D145N.
Identifiers: ClinVar variation 4868971 (VCV004868971.1).